The following is an entry in ClinVar:

ClinVar aggregate classification (germline): Uncertain significance. Review status: criteria provided, multiple submitters, no conflicts (2 of 4 stars). 2 submissions from 2 submitters: Uncertain significance (2). Last evaluated 2022-08-02.

Conditions:
Mucopolysaccharidosis, MPS-III-D (MPS3D). Also called: N-ACETYLGLUCOSAMINE-6-SULFATASE DEFICIENCY; SANFILIPPO SYNDROME D; MPS IIID (Sanfilippo Syndrome Type D); MUCOPOLYSACCHARIDOSIS, TYPE IIID; MPS III D; Mucopoly-saccharidosis type 3D. Identifiers: Orphanet 581, Orphanet 79272, MedGen C0086650, MONDO:0009658, OMIM 252940.

Allele frequency attached by ClinVar (database versions not stated): ExAC 0.00025.
gnomAD v4.1: 22 of 1,534,830 alleles (0.0014%); highest among the groups gnomAD compares: South Asian, 0.027%; no homozygotes.

Submissions (2):

Labcorp Genetics (formerly Invitae), Labcorp
Classification: Uncertain significance for Mucopolysaccharidosis, MPS-III-D. Last evaluated: 2022-08-02. Review status: criteria provided, single submitter. Criteria: Invitae Variant Classification Sherloc (09022015). Collection method: clinical testing. Allele origin: germline.
Comment: This sequence change replaces leucine, which is neutral and non-polar, with valine, which is neutral and non-polar, at codon 6 of the GNS protein (p.Leu6Val). This variant is present in population databases (rs746189087, gnomAD 0.02%). This variant has not been reported in the literature in individuals affected with GNS-related conditions. ClinVar contains an entry for this variant (Variation ID: 882637). Algorithms developed to predict the effect of missense changes on protein structure and function output the following: SIFT: "Tolerated"; PolyPhen-2: "Not Available"; Align-GVGD: "Class C0". The valine amino acid residue is found in multiple mammalian species, which suggests that this missense change does not adversely affect protein function. In summary, the available evidence is currently insufficient to determine the role of this variant in disease. Therefore, it has been classified as a Variant of Uncertain Significance.

Illumina Laboratory Services, Illumina
Classification: Uncertain significance for Mucopolysaccharidosis, MPS-III-D. Last evaluated: 2018-01-12. Review status: criteria provided, single submitter. Criteria: ICSL Variant Classification Criteria 13 December 2019. Collection method: clinical testing. Allele origin: germline.

NM_002076.4(GNS):c.16C>G (p.Leu6Val)

Gene: GNS (glucosamine (N-acetyl)-6-sulfatase; minus strand). Cytogenetic location: 12q14.3.
Variant type: single nucleotide variant.
Coding change: c.16C>G on transcript NM_002076.4 (MANE Select); coding-DNA position 16, C replaced by G.
Protein change: p.Leu6Val; replaces leucine 6 with valine.
Molecular consequence: missense variant.
Genome position (GRCh38, 1-based): chr12:64,759,261, G>C on the plus strand (C>G on the coding strand, the complement: GNS is on the minus strand). VCF-style: chr12-64759261-G-C. GRCh37 (hg19) VCF-style: chr12-65153041-G-C.
Other names: short protein forms L6V.
Identifiers: ClinVar variation 882637 (VCV000882637.5), dbSNP rs746189087, ClinGen allele CA6670056.